The following is an entry in ClinVar:

ClinVar aggregate classification (germline): Uncertain significance (1 of 4 stars; one submission).

Conditions:
Ciliary dyskinesia, primary, 37 (CILD37). Also called: CILIARY DYSKINESIA, PRIMARY, 37, WITH OR WITHOUT SITUS INVERSUS. Identifiers: MedGen C4539798, MONDO:0033204, OMIM 617577.
Spermatogenic failure 18. Identifiers: MedGen C4539783, MONDO:0054615, OMIM 617576.

Allele frequency attached by ClinVar (database versions not stated): ExAC 0.00004; ESP Exome Variant Server 0.00008; gnomAD 0.00015 and 0.00018; TOPMed 0.00020.
gnomAD v4.1: 43 of 1,613,422 alleles (0.0027%); highest among the groups gnomAD compares: African/African-American, 0.047%; no homozygotes.

Submission:

Labcorp Genetics (formerly Invitae), Labcorp
Classification: Uncertain significance for Ciliary dyskinesia, primary, 37; Spermatogenic failure 18. Last evaluated: 2021-08-24. Review status: criteria provided, single submitter. Criteria: Invitae Variant Classification Sherloc (09022015). Collection method: clinical testing. Allele origin: germline.
Comment: This sequence change replaces glycine with arginine at codon 3125 of the DNAH1 protein (p.Gly3125Arg). The glycine residue is moderately conserved and there is a moderate physicochemical difference between glycine and arginine. This variant is present in population databases (rs374687152, ExAC 0.03%). This variant has not been reported in the literature in individuals affected with DNAH1-related conditions. Algorithms developed to predict the effect of missense changes on protein structure and function are either unavailable or do not agree on the potential impact of this missense change (SIFT: "Deleterious"; PolyPhen-2: "Probably Damaging"; Align-GVGD: "Class C0"). In summary, the available evidence is currently insufficient to determine the role of this variant in disease. Therefore, it has been classified as a Variant of Uncertain Significance.

NM_015512.5(DNAH1):c.9373G>C (p.Gly3125Arg)

Gene: DNAH1 (dynein axonemal heavy chain 1; plus strand). Cytogenetic location: 3p21.1.
Variant type: single nucleotide variant.
Coding change: c.9373G>C on transcript NM_015512.5 (MANE Select); coding-DNA position 9373, G replaced by C.
Protein change: p.Gly3125Arg; replaces glycine 3125 with arginine.
Molecular consequence: missense variant.
Genome position (GRCh38, 1-based): chr3:52,388,815, G>C. VCF-style: chr3-52388815-G-C. GRCh37 (hg19) VCF-style: chr3-52422831-G-C.
Other names: short protein forms G3125R.
Identifiers: ClinVar variation 1039420 (VCV001039420.2), dbSNP rs374687152, ClinGen allele CA2435512.